The following is an entry in ClinVar:

NM_000135.4(FANCA):c.553C>G (p.Leu185Val)

Gene: FANCA (FA complementation group A; minus strand). Cytogenetic location: 16q24.3.
Variant type: single nucleotide variant.
Coding change: c.553C>G on transcript NM_000135.4 (MANE Select); coding-DNA position 553, C replaced by G.
Protein change: p.Leu185Val; replaces leucine 185 with valine.
Molecular consequence: missense variant.
Genome position (GRCh38, 1-based): chr16:89,808,337, G>C on the plus strand (C>G on the coding strand, the complement: FANCA is on the minus strand). VCF-style: chr16-89808337-G-C. GRCh37 (hg19) VCF-style: chr16-89874745-G-C.
Other names: c.553C>G, p.Leu185Val (NM_001018112.3, NM_001286167.3); c.457C>G, p.Leu153Val (NM_001351830.2); short protein forms L185V, L153V.
Identifiers: ClinVar variation 1460990 (VCV001460990.8), dbSNP rs587778323, ClinGen allele CA397479311.

ClinVar aggregate classification (germline): Uncertain significance (1 of 4 stars; one submission).

Conditions:
Fanconi anemia (FA). Also called: Fanconi's anemia. Identifiers: Orphanet 84, MedGen C0015625, MeSH D005199, MONDO:0019391.

Submission:

Labcorp Genetics (formerly Invitae), Labcorp
Classification: Uncertain significance for Fanconi anemia. Last evaluated: 2023-05-22. Review status: criteria provided, single submitter. Criteria: Invitae Variant Classification Sherloc (09022015). Collection method: clinical testing. Allele origin: germline.
Comment: In summary, the available evidence is currently insufficient to determine the role of this variant in disease. Therefore, it has been classified as a Variant of Uncertain Significance. Advanced modeling of protein sequence and biophysical properties (such as structural, functional, and spatial information, amino acid conservation, physicochemical variation, residue mobility, and thermodynamic stability) performed at Invitae indicates that this missense variant is expected to disrupt FANCA protein function. ClinVar contains an entry for this variant (Variation ID: 1460990). This variant has not been reported in the literature in individuals affected with FANCA-related conditions. This variant is not present in population databases (gnomAD no frequency). This sequence change replaces leucine, which is neutral and non-polar, with valine, which is neutral and non-polar, at codon 185 of the FANCA protein (p.Leu185Val).